The following is an entry in ClinVar:

NM_173537.5(GTF2IRD2):c.91G>A (p.Glu31Lys)

Genes: GTF2IRD2 (GTF2I repeat domain containing 2; minus strand), LOC106029312 (Williams-Beuren syndrome medial block B recombination region; plus strand). Cytogenetic location: 7q11.23.
Variant type: single nucleotide variant.
Coding change: c.91G>A on transcript NM_173537.5 (MANE Select); coding-DNA position 91, G replaced by A.
Protein change: p.Glu31Lys; replaces glutamic acid 31 with lysine.
Molecular consequence: missense variant. On other transcripts: non-coding transcript variant (6).
Genome position (GRCh38, 1-based): chr7:74,836,288, C>T on the plus strand (G>A on the coding strand, the complement: GTF2IRD2 is on the minus strand). VCF-style: chr7-74836288-C-T. GRCh37 (hg19) VCF-style: chr7-74251410-C-T.
Other names: c.91G>A, p.Glu31Lys (NM_001281447.3, NM_001388079.1, NM_001388080.1 and 7 more transcripts); c.577G>A, p.Glu193Lys (NM_001368300.2); short protein forms E193K, E31K.
Identifiers: ClinVar variation 2657605 (VCV002657605.24), dbSNP rs200003286, ClinGen allele CA160167508.

ClinVar aggregate classification (germline): Likely benign (1 of 4 stars; one submission).

Allele frequency attached by ClinVar (database versions not stated): gnomAD 0.00001; gnomAD exomes 0.00001.
gnomAD v4.1: 21 of 1,609,616 alleles (0.0013%); highest among the groups gnomAD compares: African/African-American, 0.0085%; no homozygotes.

Submission:

CeGaT Center for Human Genetics Tuebingen
Classification: Likely benign. Last evaluated: 2024-03-01. Review status: criteria provided, single submitter. Criteria: CeGaT Center For Human Genetics Tuebingen Variant Classification Criteria Version 2. Collection method: clinical testing. Allele origin: germline. Affected: yes. Observed: 2 variant alleles.
Comment: GTF2IRD2: BS1